The following is an entry in ClinVar:

ClinVar aggregate classification (germline): Uncertain significance. Review status: criteria provided, multiple submitters, no conflicts (2 of 4 stars). 4 submissions from 4 submitters: Uncertain significance (2). 2 of the submissions do not count toward it. Last evaluated 2025-08-11.

Conditions:
Inborn genetic diseases. Identifiers: MedGen C0950123, MeSH D030342.

Allele frequency attached by ClinVar (database versions not stated): gnomAD exomes 0.00004 and 0.00007; ExAC 0.00005; ESP Exome Variant Server 0.00016.
gnomAD v4.1: 119 of 1,612,710 alleles (0.0074%); highest among the groups gnomAD compares: Non-Finnish European, 0.0092%; no homozygotes.

Submissions (4):

Labcorp Genetics (formerly Invitae), Labcorp
Classification: Uncertain significance. Last evaluated: 2025-08-11. Review status: criteria provided, single submitter. Criteria: Invitae Variant Classification Sherloc (09022015). Collection method: clinical testing. Allele origin: germline.
Comment: This sequence change replaces arginine, which is basic and polar, with glutamine, which is neutral and polar, at codon 307 of the SEPT9 protein (p.Arg307Gln). This variant is present in population databases (rs377514245, gnomAD 0.008%). This variant has not been reported in the literature in individuals affected with SEPT9-related conditions. ClinVar contains an entry for this variant (Variation ID: 1209975). Invitae Evidence Modeling of protein sequence and biophysical properties (such as structural, functional, and spatial information, amino acid conservation, physicochemical variation, residue mobility, and thermodynamic stability) has been performed for this missense variant. However, the output from this modeling did not meet the statistical confidence thresholds required to predict the impact of this variant on SEPT9 protein function. In summary, the available evidence is currently insufficient to determine the role of this variant in disease. Therefore, it has been classified as a Variant of Uncertain Significance.

Ambry Genetics
Classification: Uncertain significance for Inborn genetic diseases. Last evaluated: 2023-05-17. Review status: criteria provided, single submitter. Criteria: Ambry Variant Classification Scheme 2023. Collection method: clinical testing. Allele origin: germline.

Clinical Genetics, Academic Medical Center
Classification: Uncertain significance. Review status: no assertion criteria provided. Collection method: clinical testing. Allele origin: germline. Affected: yes. Study: VKGL Data-share Consensus. Not counted in ClinVar's aggregate classification.

Genome Diagnostics Laboratory, Amsterdam University Medical Center
Classification: Uncertain significance. Review status: no assertion criteria provided. Collection method: clinical testing. Allele origin: germline. Affected: yes. Study: VKGL Data-share Consensus. Not counted in ClinVar's aggregate classification.

NM_001113491.2(SEPTIN9):c.974G>A (p.Arg325Gln)

Gene: SEPTIN9 (septin 9; plus strand). Cytogenetic location: 17q25.3.
Variant type: single nucleotide variant.
Coding change: c.974G>A on transcript NM_001113491.2 (MANE Select); coding-DNA position 974, G replaced by A.
Protein change: p.Arg325Gln; replaces arginine 325 with glutamine.
Molecular consequence: missense variant.
Genome position (GRCh38, 1-based): chr17:77,487,484, G>A. VCF-style: chr17-77487484-G-A. GRCh37 (hg19) VCF-style: chr17-75483566-G-A.
Other names: c.920G>A (NM_006640.4); c.482G>A, p.Arg161Gln (NM_001113492.2, NM_001113494.1); c.953G>A, p.Arg318Gln (NM_001113493.2); c.221G>A, p.Arg74Gln (NM_001113495.2, NM_001113496.2, NM_001293697.2 and 1 more transcripts); c.917G>A, p.Arg306Gln (NM_001293695.2); c.302G>A, p.Arg101Gln (NM_001293696.2); c.920G>A, p.Arg307Gln (NM_006640.5); short protein forms R101Q, R161Q, R306Q, R307Q, R318Q, R325Q, R74Q.
Identifiers: ClinVar variation 1209975 (VCV001209975.10), dbSNP rs377514245, ClinGen allele CA8793620.